The following is an entry in ClinVar:

NM_138927.4(SON):c.3780G>A (p.Thr1260=)

Gene: SON (SON DNA and RNA binding protein; plus strand). Cytogenetic location: 21q22.11.
Variant type: single nucleotide variant.
Coding change: c.3780G>A on transcript NM_138927.4 (MANE Select); coding-DNA position 3780, G replaced by A.
Protein change: p.Thr1260=; no amino-acid change (threonine 1260 retained).
Molecular consequence: synonymous variant. On other transcripts: non-coding transcript variant (1), intron variant (1).
Genome position (GRCh38, 1-based): chr21:33,553,011, G>A. VCF-style: chr21-33553011-G-A. GRCh37 (hg19) VCF-style: chr21-34925317-G-A.
Other names: c.3780G>A, p.Thr1260= (NM_001291411.2, NM_032195.3); c.245-4145G>A (NM_001291412.3); c.3780G>A (NM_138927.2).
Identifiers: ClinVar variation 748471 (VCV000748471.10), dbSNP rs140809737, ClinGen allele CA10009377.

ClinVar aggregate classification (germline): Likely benign. Review status: criteria provided, single submitter (1 of 4 stars). 2 submissions from 2 submitters: Likely benign (1). 1 of the submissions does not count toward it. Last evaluated 2025-07-15.

Conditions:
SON-related disorder. Also called: SON-related condition.

Allele frequency attached by ClinVar (database versions not stated): gnomAD exomes 0.00014; ExAC 0.00018; gnomAD 0.00021 and 0.00023; TOPMed 0.00025; ESP Exome Variant Server 0.00038.
gnomAD v4.1: 96 of 1,612,352 alleles (0.006%); highest among the groups gnomAD compares: African/African-American, 0.073%; no homozygotes.

Submissions (2):

Labcorp Genetics (formerly Invitae), Labcorp
Classification: Likely benign. Last evaluated: 2025-07-15. Review status: criteria provided, single submitter. Criteria: Invitae Variant Classification Sherloc (09022015). Collection method: clinical testing. Allele origin: germline.

PreventionGenetics, part of Exact Sciences
Classification: Likely benign for SON-related condition. Last evaluated: 2021-10-18. Review status: no assertion criteria provided. Collection method: clinical testing. Allele origin: germline. Not counted in ClinVar's aggregate classification.
Comment: This variant is classified as likely benign based on ACMG/AMP sequence variant interpretation guidelines (Richards et al. 2015 PMID: 25741868, with internal and published modifications).